The following is an entry in ClinVar:

NM_000718.4(CACNA1B):c.6261G>A (p.Pro2087=)

Gene: CACNA1B (calcium voltage-gated channel subunit alpha1 B; plus strand). Cytogenetic location: 9q34.3.
Variant type: single nucleotide variant.
Coding change: c.6261G>A on transcript NM_000718.4 (MANE Select); coding-DNA position 6261, G replaced by A.
Protein change: p.Pro2087=; no amino-acid change (proline 2087 retained).
Molecular consequence: synonymous variant.
Genome position (GRCh38, 1-based): chr9:138,120,653, G>A. VCF-style: chr9-138120653-G-A. GRCh37 (hg19) VCF-style: chr9-141015105-G-A.
Other names: c.6261G>A, p.Pro2087= (NM_001243812.2).
Identifiers: ClinVar variation 1463883 (VCV001463883.33), dbSNP rs200950787, ClinGen allele CA5377670.

ClinVar aggregate classification (germline): Likely benign. Review status: criteria provided, multiple submitters, no conflicts (2 of 4 stars). 4 submissions from 4 submitters: Likely benign (4). Last evaluated 2026-01-28.

Allele frequency attached by ClinVar (database versions not stated): gnomAD exomes 0.00026; 1000 Genomes Project 0.00060; ExAC 0.00073; 1000 Genomes Project 30x 0.00078; ESP Exome Variant Server 0.00084; TOPMed 0.00123; gnomAD 0.00140 and 0.00151.
gnomAD v4.1: 414 of 1,505,352 alleles (0.028%); highest among the groups gnomAD compares: African/African-American, 0.42%; 3 homozygotes.

Submissions (4):

Labcorp Genetics (formerly Invitae), Labcorp
Classification: Likely benign. Last evaluated: 2026-01-28. Review status: criteria provided, single submitter. Criteria: Invitae Variant Classification Sherloc (09022015). Collection method: clinical testing. Allele origin: germline.

CeGaT Center for Human Genetics Tuebingen
Classification: Likely benign. Last evaluated: 2025-12-01. Review status: criteria provided, single submitter. Criteria: CeGaT Center For Human Genetics Tuebingen Variant Classification Criteria Version 2. Collection method: clinical testing. Allele origin: germline. Affected: yes. Observed: 2 variant alleles.
Comment: CACNA1B: BP4, BP7

Blueprint Genetics
Classification: Likely benign. Last evaluated: 2024-10-24. Review status: criteria provided, single submitter. Criteria: ACMG Guidelines, 2015. Collection method: clinical testing. Allele origin: germline.

Breakthrough Genomics
Classification: Likely benign. Review status: criteria provided, single submitter. Criteria: ACMG Guidelines, 2015. Collection method: not provided. Allele origin: germline. Inheritance: Autosomal recessive inheritance. Affected: yes.